The following is an entry in ClinVar:

ClinVar aggregate classification (germline): Uncertain significance. Review status: criteria provided, multiple submitters, no conflicts (2 of 4 stars). 2 submissions from 2 submitters: Uncertain significance (2). Last evaluated 2025-07-06.

Conditions:
Inborn genetic diseases. Identifiers: MedGen C0950123, MeSH D030342.

Allele frequency attached by ClinVar (database versions not stated): gnomAD 0.00001; gnomAD exomes 0.00001; ExAC 0.00002; TOPMed 0.00002.
gnomAD v4.1: 10 of 1,613,770 alleles (0.00062%); highest among the groups gnomAD compares: Non-Finnish European, 0.00076%; no homozygotes.

Submissions (2):

Labcorp Genetics (formerly Invitae), Labcorp
Classification: Uncertain significance. Last evaluated: 2025-07-06. Review status: criteria provided, single submitter. Criteria: Invitae Variant Classification Sherloc (09022015). Collection method: clinical testing. Allele origin: germline.
Comment: This sequence change replaces aspartic acid, which is acidic and polar, with tyrosine, which is neutral and polar, at codon 1785 of the FAT4 protein (p.Asp1785Tyr). This variant is present in population databases (rs746947592, gnomAD 0.003%). This variant has not been reported in the literature in individuals affected with FAT4-related conditions. ClinVar contains an entry for this variant (Variation ID: 3093211). Invitae Evidence Modeling of protein sequence and biophysical properties (such as structural, functional, and spatial information, amino acid conservation, physicochemical variation, residue mobility, and thermodynamic stability) indicates that this missense variant is expected to disrupt FAT4 protein function with a positive predictive value of 80%. In summary, the available evidence is currently insufficient to determine the role of this variant in disease. Therefore, it has been classified as a Variant of Uncertain Significance.

Ambry Genetics
Classification: Uncertain significance for Inborn genetic diseases. Last evaluated: 2023-12-18. Review status: criteria provided, single submitter. Criteria: Ambry Variant Classification Scheme 2023. Collection method: clinical testing. Allele origin: germline.

NM_001291303.3(FAT4):c.5353G>T (p.Asp1785Tyr)

Gene: FAT4 (FAT atypical cadherin 4; plus strand). Cytogenetic location: 4q28.1.
Variant type: single nucleotide variant.
Coding change: c.5353G>T on transcript NM_001291303.3 (MANE Select); coding-DNA position 5353, G replaced by T.
Protein change: p.Asp1785Tyr; replaces aspartic acid 1785 with tyrosine.
Molecular consequence: missense variant.
Genome position (GRCh38, 1-based): chr4:125,406,925, G>T. VCF-style: chr4-125406925-G-T. GRCh37 (hg19) VCF-style: chr4-126328080-G-T.
Other names: c.5353G>T, p.Asp1785Tyr (NM_001291285.3, NM_024582.6); short protein forms D1785Y.
Identifiers: ClinVar variation 3093211 (VCV003093211.2), dbSNP rs746947592, ClinGen allele CA3072696.